The following is an entry in ClinVar:

ClinVar aggregate classification (germline): Uncertain significance. Review status: criteria provided, multiple submitters, no conflicts (2 of 4 stars). 2 submissions from 2 submitters: Uncertain significance (2). Last evaluated 2025-08-18.

Conditions:
Inborn genetic diseases. Identifiers: MedGen C0950123, MeSH D030342.

gnomAD v4.1: 25 of 1,614,060 alleles (0.0015%); highest among the groups gnomAD compares: Non-Finnish European, 0.0019%; no homozygotes.

Submissions (2):

Labcorp Genetics (formerly Invitae), Labcorp
Classification: Uncertain significance. Last evaluated: 2025-08-18. Review status: criteria provided, single submitter. Criteria: Invitae Variant Classification Sherloc (09022015). Collection method: clinical testing. Allele origin: germline.
Comment: This sequence change replaces lysine, which is basic and polar, with arginine, which is basic and polar, at codon 178 of the HIVEP2 protein (p.Lys178Arg). This variant is present in population databases (rs757067793, gnomAD 0.002%). This variant has not been reported in the literature in individuals affected with HIVEP2-related conditions. ClinVar contains an entry for this variant (Variation ID: 4035382). Invitae Evidence Modeling of protein sequence and biophysical properties (such as structural, functional, and spatial information, amino acid conservation, physicochemical variation, residue mobility, and thermodynamic stability) indicates that this missense variant is not expected to disrupt HIVEP2 protein function with a negative predictive value of 80%. In summary, the available evidence is currently insufficient to determine the role of this variant in disease. Therefore, it has been classified as a Variant of Uncertain Significance.

Ambry Genetics
Classification: Uncertain significance for Inborn genetic diseases. Last evaluated: 2025-03-22. Review status: criteria provided, single submitter. Criteria: Ambry Variant Classification Scheme 2023. Collection method: clinical testing. Allele origin: germline.

NM_006734.4(HIVEP2):c.533A>G (p.Lys178Arg)

Gene: HIVEP2 (HIVEP zinc finger 2; minus strand). Cytogenetic location: 6q24.2.
Variant type: single nucleotide variant.
Coding change: c.533A>G on transcript NM_006734.4 (MANE Select); coding-DNA position 533, A replaced by G.
Protein change: p.Lys178Arg; replaces lysine 178 with arginine.
Molecular consequence: missense variant.
Genome position (GRCh38, 1-based): chr6:142,774,206, T>C on the plus strand (A>G on the coding strand, the complement: HIVEP2 is on the minus strand). VCF-style: chr6-142774206-T-C. GRCh37 (hg19) VCF-style: chr6-143095343-T-C.
Other names: short protein forms K178R.
Identifiers: ClinVar variation 4035382 (VCV004035382.2).